The following is an entry in ClinVar:

ClinVar aggregate classification (germline): Likely benign. Review status: criteria provided, multiple submitters, no conflicts (2 of 4 stars). 2 submissions from 2 submitters: Likely benign (2). Last evaluated 2025-01-27.

Conditions:
ALG9 congenital disorder of glycosylation (CDG1L). Also called: CDG Il; CONGENITAL DISORDER OF GLYCOSYLATION, TYPE Il; ALG9-CDG. Identifiers: Orphanet 79328, MedGen C2931006, MONDO:0012117, OMIM 608776.

Allele frequency attached by ClinVar (database versions not stated): gnomAD exomes below 0.00001 and 0.00003; ExAC 0.00001; gnomAD 0.00001; TOPMed 0.00002.
gnomAD v4.1: 39 of 1,498,480 alleles (0.0026%); highest among the groups gnomAD compares: Non-Finnish European, 0.0033%; no homozygotes.

Submissions (2):

Labcorp Genetics (formerly Invitae), Labcorp
Classification: Likely benign for ALG9 congenital disorder of glycosylation. Last evaluated: 2025-01-27. Review status: criteria provided, single submitter. Criteria: Invitae Variant Classification Sherloc (09022015). Collection method: clinical testing. Allele origin: germline.

GeneDx
Classification: Likely benign. Last evaluated: 2016-11-22. Review status: criteria provided, single submitter. Criteria: GeneDx Variant Classification (06012015). Collection method: clinical testing. Allele origin: germline. Affected: yes.
Comment: This variant is considered likely benign or benign based on one or more of the following criteria: it is a conservative change, it occurs at a poorly conserved position in the protein, it is predicted to be benign by multiple in silico algorithms, and/or has population frequency not consistent with disease.

NM_012463.4(ATP6V0A2):c.1724+20T>A

Gene: ATP6V0A2 (ATPase H+ transporting V0 subunit a2; plus strand). Cytogenetic location: 12q24.31.
Variant type: single nucleotide variant.
Coding change: c.1724+20T>A on transcript NM_012463.4 (MANE Select); 20 bases into the intron after coding-DNA position 1724, T replaced by A.
Molecular consequence: intron variant.
Genome position (GRCh38, 1-based): chr12:123,747,745, T>A. VCF-style: chr12-123747745-T-A. GRCh37 (hg19) VCF-style: chr12-124232292-T-A.
Identifiers: ClinVar variation 391052 (VCV000391052.4), dbSNP rs778282853, ClinGen allele CA6862019.